The following is an entry in ClinVar:

ClinVar aggregate classification (germline): Benign/Likely benign. Review status: criteria provided, multiple submitters, no conflicts (2 of 4 stars). 6 submissions from 6 submitters: Benign (1); Likely benign (5). Last evaluated 2026-02-18.

Conditions:
MSH6-related disorder. Also called: MSH6-related condition; MSH6-Related disorders.
Hereditary nonpolyposis colorectal neoplasms. Identifiers: MedGen C0009405, MeSH D003123.
Hereditary cancer-predisposing syndrome. Also called: Neoplastic Syndromes, Hereditary; Hereditary Cancer Syndrome; Tumor predisposition; Hereditary neoplastic syndrome. Identifiers: Orphanet 140162, MedGen C0027672, MeSH D009386, MONDO:0015356.
Lynch syndrome. Identifiers: Orphanet 144, MedGen C4552100, MONDO:0005835. Disease mechanism: loss of function.
Lynch syndrome 5 (LYNCH5). Also called: Colorectal cancer, hereditary nonpolyposis, type 5; Hereditary non-polyposis colorectal cancer, type 5. Identifiers: Orphanet 144, MedGen C1833477, MONDO:0013710, OMIM 614350. Disease mechanism: loss of function.

Allele frequency attached by ClinVar (database versions not stated): gnomAD exomes below 0.00001; gnomAD 0.00001; TOPMed 0.00001.
gnomAD v4.1: 3 of 1,614,064 alleles (0.00019%); highest among the groups gnomAD compares: East Asian, 0.0045%; no homozygotes.

Submissions (6):

PreventionGenetics, part of Exact Sciences
Classification: Likely benign for MSH6-related condition. Last evaluated: 2026-02-18. Review status: criteria provided, single submitter. Criteria: ACMG Guidelines, 2015. Collection method: clinical testing. Allele origin: germline.
Comment: This variant is classified as likely benign based on ACMG/AMP sequence variant interpretation guidelines (Richards et al. 2015 PMID: 25741868, with internal and published modifications).

Myriad Genetics, Inc.
Classification: Benign for Lynch syndrome 5. Last evaluated: 2024-12-20. Review status: criteria provided, single submitter. Criteria: Myriad Autosomal Dominant, Autosomal Recessive and X-Linked Classification Criteria (2023). Collection method: clinical testing. Allele origin: unknown.
Comment: This variant is considered benign. This variant is a silent/synonymous amino acid change and it is not expected to impact splicing.

Labcorp Genetics (formerly Invitae), Labcorp
Classification: Likely benign for Hereditary nonpolyposis colorectal neoplasms. Last evaluated: 2024-10-15. Review status: criteria provided, single submitter. Criteria: Invitae Variant Classification Sherloc (09022015). Collection method: clinical testing. Allele origin: germline.

All of Us Research Program, National Institutes of Health
Classification: Likely benign for Lynch syndrome. Last evaluated: 2023-06-26. Review status: criteria provided, single submitter. Criteria: ACMG Guidelines, 2015. Collection method: clinical testing. Allele origin: germline. Inheritance: Autosomal dominant inheritance. Observed: 1 variant allele, 1 heterozygote.
Comment: This study involves interpretation of variants in research participants for the purpose of population health screening. Participant phenotype was not available at the time of variant classification. Additional details can be found in publication PMID: 35346344, PMCID: PMC8962531

Ambry Genetics
Classification: Likely benign for Hereditary cancer-predisposing syndrome. Last evaluated: 2019-09-11. Review status: criteria provided, single submitter. Criteria: Ambry Variant Classification Scheme 2023. Collection method: clinical testing. Allele origin: germline.

Color Diagnostics, LLC DBA Color Health
Classification: Likely benign for Hereditary cancer-predisposing syndrome. Last evaluated: 2017-05-29. Review status: criteria provided, single submitter. Criteria: ACMG Guidelines, 2015. Collection method: clinical testing. Allele origin: germline.

NM_000179.3(MSH6):c.801A>C (p.Pro267=)

Gene: MSH6 (mutS homolog 6; plus strand). Cytogenetic location: 2p16.3.
Variant type: single nucleotide variant.
Coding change: c.801A>C on transcript NM_000179.3 (MANE Select); coding-DNA position 801, A replaced by C.
Protein change: p.Pro267=; no amino-acid change (proline 267 retained).
Molecular consequence: synonymous variant. On other transcripts: 5 prime UTR variant (2).
Genome position (GRCh38, 1-based): chr2:47,798,784, A>C. VCF-style: chr2-47798784-A-C. GRCh37 (hg19) VCF-style: chr2-48025923-A-C.
Other names: c.411A>C, p.Pro137= (NM_001281492.2); c.-106A>C (NM_001281493.2, NM_001281494.2).
Identifiers: ClinVar variation 491993 (VCV000491993.19), dbSNP rs1453889992, ClinGen allele CA426120819.